The following is an entry in ClinVar:

ClinVar aggregate classification (germline): Uncertain significance (1 of 4 stars; one submission).

Conditions:
Cardiovascular phenotype. Identifiers: MedGen CN230736.

Allele frequency attached by ClinVar (database versions not stated): gnomAD 0.00001; gnomAD exomes 0.00001; TOPMed 0.00001.
gnomAD v4.1: 4 of 1,613,980 alleles (0.00025%); highest among the groups gnomAD compares: Non-Finnish European, 0.00034%; no homozygotes.

Submission:

Ambry Genetics
Classification: Uncertain significance for Cardiovascular phenotype. Last evaluated: 2025-08-30. Review status: criteria provided, single submitter. Criteria: Ambry Variant Classification Scheme 2023. Collection method: clinical testing. Allele origin: germline.
Comment: The p.E130K variant (also known as c.388G>A), located in coding exon 4 of the NEXN gene, results from a G to A substitution at nucleotide position 388. The glutamic acid at codon 130 is replaced by lysine, an amino acid with similar properties. This amino acid position is conserved. In addition, the in silico prediction for this alteration is inconclusive. Based on the available evidence, the clinical significance of this variant remains unclear.

NM_144573.4(NEXN):c.388G>A (p.Glu130Lys)

Genes: NEXN (nexilin F-actin binding protein; plus strand), LOC126805765 (BRD4-independent group 4 enhancer GRCh37_chr1:78383688-78384887; plus strand). Cytogenetic location: 1p31.1.
Variant type: single nucleotide variant.
Coding change: c.388G>A on transcript NM_144573.4 (MANE Select); coding-DNA position 388, G replaced by A.
Protein change: p.Glu130Lys; replaces glutamic acid 130 with lysine.
Molecular consequence: missense variant.
Genome position (GRCh38, 1-based): chr1:77,918,214, G>A. VCF-style: chr1-77918214-G-A. GRCh37 (hg19) VCF-style: chr1-78383899-G-A.
Other names: c.196G>A, p.Glu66Lys (NM_001172309.2); short protein forms E130K, E66K.
Identifiers: ClinVar variation 2461144 (VCV002461144.3), dbSNP rs1459549980, ClinGen allele CA340886922.